The following is an entry in ClinVar:

NM_000136.3(FANCC):c.603G>T (p.Glu201Asp)

Genes: AOPEP (aminopeptidase O (putative); plus strand), FANCC (FA complementation group C; minus strand). Cytogenetic location: 9q22.32.
Variant type: single nucleotide variant.
Coding change: c.603G>T on transcript NM_000136.3 (MANE Select); coding-DNA position 603, G replaced by T.
Protein change: p.Glu201Asp; replaces glutamic acid 201 with aspartic acid.
Molecular consequence: missense variant.
Genome position (GRCh38, 1-based): chr9:95,150,006, C>A on the plus strand (G>T on the coding strand, the complement: FANCC is on the minus strand). VCF-style: chr9-95150006-C-A. GRCh37 (hg19) VCF-style: chr9-97912288-C-A.
Other names: c.603G>T, p.Glu201Asp (NM_001243743.2, NM_001243744.2); short protein forms E201D.
Identifiers: ClinVar variation 409656 (VCV000409656.8), dbSNP rs1060502516, ClinGen allele CA16612735.

ClinVar aggregate classification (germline): Uncertain significance (1 of 4 stars; one submission).

Conditions:
Fanconi anemia (FA). Also called: Fanconi's anemia. Identifiers: Orphanet 84, MedGen C0015625, MeSH D005199, MONDO:0019391.

Submission:

Labcorp Genetics (formerly Invitae), Labcorp
Classification: Uncertain significance for Fanconi anemia. Last evaluated: 2022-01-28. Review status: criteria provided, single submitter. Criteria: Invitae Variant Classification Sherloc (09022015). Collection method: clinical testing. Allele origin: germline.
Comment: ClinVar contains an entry for this variant (Variation ID: 409656). In summary, the available evidence is currently insufficient to determine the role of this variant in disease. Therefore, it has been classified as a Variant of Uncertain Significance. Algorithms developed to predict the effect of missense changes on protein structure and function are either unavailable or do not agree on the potential impact of this missense change (SIFT: "Tolerated"; PolyPhen-2: "Possibly Damaging"; Align-GVGD: "Class C0"). This variant has not been reported in the literature in individuals affected with FANCC-related conditions. This variant is not present in population databases (gnomAD no frequency). This sequence change replaces glutamic acid, which is acidic and polar, with aspartic acid, which is acidic and polar, at codon 201 of the FANCC protein (p.Glu201Asp).